The following is an entry in ClinVar:

NM_001378183.1(PIEZO2):c.3578A>C (p.Lys1193Thr)

Gene: PIEZO2 (piezo type mechanosensitive ion channel component 2; minus strand). Cytogenetic location: 18p11.22.
Variant type: single nucleotide variant.
Coding change: c.3578A>C on transcript NM_001378183.1 (MANE Select); coding-DNA position 3578, A replaced by C.
Protein change: p.Lys1193Thr; replaces lysine 1193 with threonine.
Molecular consequence: missense variant.
Genome position (GRCh38, 1-based): chr18:10,759,782, T>G on the plus strand (A>C on the coding strand, the complement: PIEZO2 is on the minus strand). VCF-style: chr18-10759782-T-G. GRCh37 (hg19) VCF-style: chr18-10759780-T-G.
Other names: c.3578A>C, p.Lys1193Thr (NM_001410871.1); c.3503A>C, p.Lys1168Thr (NM_022068.4); short protein forms K1168T, K1193T.
Identifiers: ClinVar variation 4887146 (VCV004887146.1).

ClinVar aggregate classification (germline): Uncertain significance (1 of 4 stars; one submission).

gnomAD v4.1: 2 of 1,537,338 alleles (0.00013%); highest among the groups gnomAD compares: Non-Finnish European, 0.000087%; no homozygotes.

Submission:

Women's Health and Genetics/Laboratory Corporation of America, LabCorp
Classification: Uncertain significance. Last evaluated: 2026-06-18. Review status: criteria provided, single submitter. Criteria: LabCorp Variant Classification Summary - May 2015. Collection method: clinical testing. Allele origin: germline.
Comment: Variant summary: PIEZO2 c.3503A>C (p.Lys1168Thr) results in a non-conservative amino acid change in the encoded protein sequence. Algorithms developed to predict the effect of missense changes on protein structure and function are either unavailable or do not agree on the potential impact of this missense change. The variant was absent in 144518 control chromosomes. The available data on variant occurrences in the general population are insufficient to allow any conclusion about variant significance. To our knowledge, no occurrence of c.3503A>C in individuals affected with PIEZO2-related conditions and no experimental evidence demonstrating its impact on protein function have been reported. No submitters have cited clinical-significance assessments for this variant to ClinVar. Based on the evidence outlined above, the variant was classified as uncertain significance.